The following is an entry in ClinVar:

NM_194248.3(OTOF):c.4078G>A (p.Asp1360Asn)

Gene: OTOF (otoferlin; minus strand). Cytogenetic location: 2p23.3.
Variant type: single nucleotide variant.
Coding change: c.4078G>A on transcript NM_194248.3 (MANE Select); coding-DNA position 4078, G replaced by A.
Protein change: p.Asp1360Asn; replaces aspartic acid 1360 with asparagine.
Molecular consequence: missense variant.
Genome position (GRCh38, 1-based): chr2:26,468,420, C>T on the plus strand (G>A on the coding strand, the complement: OTOF is on the minus strand). VCF-style: chr2-26468420-C-T. GRCh37 (hg19) VCF-style: chr2-26691288-C-T.
Other names: c.2008G>A, p.Asp670Asn (NM_194322.3); c.1777G>A, p.Asp593Asn (NM_194323.3, NM_004802.4); c.4078G>A, p.Asp1360Asn (NM_001287489.2); short protein forms D1360N, D593N, D670N.
Identifiers: ClinVar variation 5037023 (VCV005037023.1).
Genomic context (GRCh38, chr2:26,468,420, plus strand): 5'-ACCCAGGGGCGGGGAGGAGGAGGCAGAGTTCCAGGTTCCAGGGCTCACCCTCGGTATTGT[C>T]CACTTCCTCCTTCTCCTCCAAGTCAATTCCAGAGGGCTCTTGTTGTCGAAGTTGCTGCCA-3'
Protein context (NP_919224.1, residues 1350-1370): GIDLEEKEEV[Asp1360Asn]NTEGLKGSMK

ClinVar aggregate classification (germline): Uncertain significance (1 of 4 stars; one submission).

Submission:

GeneDx
Classification: Uncertain significance. Last evaluated: 2026-04-23. Review status: criteria provided, single submitter. Criteria: GeneDx Variant Classification Process June 2021. Collection method: clinical testing. Allele origin: germline.
Comment: Not observed at significant frequency in large population cohorts (gnomAD); In silico analysis suggests that this missense variant does not alter protein structure/function; Has not been previously published as pathogenic or benign to our knowledge